The following is an entry in ClinVar:

ClinVar aggregate classification (germline): Conflicting classifications of pathogenicity. Review status: criteria provided, conflicting classifications (1 of 4 stars). 3 submissions from 3 submitters: Uncertain significance (1); Likely benign (1). 1 of the submissions does not count toward it. Last evaluated 2026-01-26.

Conditions:
NOTCH2-related disorder. Also called: NOTCH2-related condition.
Hajdu-Cheney syndrome (HJCYS). Also called: Acroosteolysis dominant type; ACROOSTEOLYSIS WITH OSTEOPOROSIS AND CHANGES IN SKULL AND MANDIBLE; SERPENTINE FIBULA-POLYCYSTIC KIDNEY SYNDROME. Identifiers: Orphanet 955, MedGen C0917715, MONDO:0007057, OMIM 102500.

Allele frequency attached by ClinVar (database versions not stated): gnomAD 0.00006; TOPMed 0.00006; gnomAD exomes 0.00008.
gnomAD v4.1: 62 of 1,612,928 alleles (0.0038%); highest among the groups gnomAD compares: Admixed American, 0.045%; no homozygotes.

Submissions (3):

Labcorp Genetics (formerly Invitae), Labcorp
Classification: Likely benign for Hajdu-Cheney syndrome. Last evaluated: 2026-01-26. Review status: criteria provided, single submitter. Criteria: Invitae Variant Classification Sherloc (09022015). Collection method: clinical testing. Allele origin: germline.

Eurofins Ntd Llc (ga)
Classification: Uncertain significance. Last evaluated: 2017-11-13. Review status: criteria provided, single submitter. Criteria: EGL Classification Definitions 2015. Collection method: clinical testing. Allele origin: germline. Observed: 2 variant alleles, 2 heterozygotes.

PreventionGenetics, part of Exact Sciences
Classification: Likely benign for NOTCH2-related condition. Last evaluated: 2023-08-01. Review status: no assertion criteria provided. Collection method: clinical testing. Allele origin: germline. Not counted in ClinVar's aggregate classification.
Comment: This variant is classified as likely benign based on ACMG/AMP sequence variant interpretation guidelines (Richards et al. 2015 PMID: 25741868, with internal and published modifications).

NM_024408.4(NOTCH2):c.7413G>A (p.Ala2471=)

Gene: NOTCH2 (notch receptor 2; minus strand). Cytogenetic location: 1p12.
Variant type: single nucleotide variant.
Coding change: c.7413G>A on transcript NM_024408.4 (MANE Select); coding-DNA position 7413, G replaced by A.
Protein change: p.Ala2471=; no amino-acid change (alanine 2471 retained).
Molecular consequence: synonymous variant.
Genome position (GRCh38, 1-based): chr1:119,915,309, C>T on the plus strand (G>A on the coding strand, the complement: NOTCH2 is on the minus strand). VCF-style: chr1-119915309-C-T. GRCh37 (hg19) VCF-style: chr1-120457932-C-T.
Other names: c.7413G>A (NM_024408.3).
Identifiers: ClinVar variation 196924 (VCV000196924.12), dbSNP rs771638958, ClinGen allele CA244741.